The following is an entry in ClinVar:

NM_001458.5(FLNC):c.2604C>G (p.Ser868Arg)

Gene: FLNC (filamin C; plus strand). Cytogenetic location: 7q32.1.
Variant type: single nucleotide variant.
Coding change: c.2604C>G on transcript NM_001458.5 (MANE Select); coding-DNA position 2604, C replaced by G.
Protein change: p.Ser868Arg; replaces serine 868 with arginine.
Molecular consequence: missense variant.
Genome position (GRCh38, 1-based): chr7:128,843,282, C>G. VCF-style: chr7-128843282-C-G. GRCh37 (hg19) VCF-style: chr7-128483336-C-G.
Other names: c.2604C>G, p.Ser868Arg (NM_001127487.2); short protein forms S868R.
Identifiers: ClinVar variation 1304512 (VCV001304512.9), dbSNP rs2128935920, ClinGen allele CA369192459.

ClinVar aggregate classification (germline): Uncertain significance. Review status: criteria provided, multiple submitters, no conflicts (2 of 4 stars). 2 submissions from 2 submitters: Uncertain significance (2). Last evaluated 2021-12-21.

Conditions:
Hypertrophic cardiomyopathy 26. Also called: Cardiomyopathy, familial hypertrophic, 26. Identifiers: Orphanet 75249, MedGen C4310749, MONDO:0014883, OMIM 617047.
Myofibrillar myopathy 5. Also called: FILAMINOPATHY, AUTOSOMAL DOMINANT; Filaminopathy (type). Identifiers: Orphanet 171445, MedGen C1836050, MONDO:0012289, OMIM 609524.
Distal myopathy with posterior leg and anterior hand involvement. Also called: WILLIAMS DISTAL MYOPATHY. Identifiers: Orphanet 63273, MedGen C3279722, MONDO:0013550, OMIM 614065.

Allele frequency attached by ClinVar (database versions not stated): gnomAD exomes below 0.00001.
gnomAD v4.1: 2 of 1,612,310 alleles (0.00012%); highest among the groups gnomAD compares: South Asian, 0.0022%; no homozygotes.

Submissions (2):

Labcorp Genetics (formerly Invitae), Labcorp
Classification: Uncertain significance for Distal myopathy with posterior leg and anterior hand involvement; Myofibrillar myopathy 5; Hypertrophic cardiomyopathy 26. Last evaluated: 2021-12-21. Review status: criteria provided, single submitter. Criteria: Invitae Variant Classification Sherloc (09022015). Collection method: clinical testing. Allele origin: germline.
Comment: This variant is not present in population databases (gnomAD no frequency). In summary, the available evidence is currently insufficient to determine the role of this variant in disease. Therefore, it has been classified as a Variant of Uncertain Significance. Algorithms developed to predict the effect of missense changes on protein structure and function (SIFT, PolyPhen-2, Align-GVGD) all suggest that this variant is likely to be tolerated. ClinVar contains an entry for this variant (Variation ID: 1304512). This variant has not been reported in the literature in individuals affected with FLNC-related conditions. This sequence change replaces serine, which is neutral and polar, with arginine, which is basic and polar, at codon 868 of the FLNC protein (p.Ser868Arg).

GeneDx
Classification: Uncertain significance. Last evaluated: 2019-01-21. Review status: criteria provided, single submitter. Criteria: GeneDx Variant Classification Process June 2021. Collection method: clinical testing. Allele origin: germline. Affected: yes.
Comment: Not observed in large population cohorts (Lek et al., 2016; McVean et al., 2012; Exome Variant Server); In silico analysis, which includes protein predictors and evolutionary conservation, supports a deleterious effect; Has not been previously published as pathogenic or benign to our knowledge